The following is an entry in ClinVar:

ClinVar aggregate classification (germline): Likely pathogenic (1 of 4 stars; one submission).

Conditions:
Autosomal recessive nonsyndromic hearing loss 8 (DFNB8). Also called: NEUROSENSORY NONSYNDROMIC RECESSIVE DEAFNESS 8; Deafness, autosomal recessive 10. Identifiers: Orphanet 90636, MedGen C1832827, MONDO:0010987, OMIM 601072.

Submission:

Institute of Rare Diseases, West China Hospital, Sichuan University
Classification: Likely pathogenic for Autosomal recessive nonsyndromic hearing loss 8. Last evaluated: 2025-01-09. Review status: criteria provided, single submitter. Criteria: ClinGen HL ACMG Specifications v1. Collection method: research. Allele origin: germline. Affected: yes.
Comment: PVS1;PM2_Supporting

NM_001256317.3(TMPRSS3):c.1272C>A (p.Cys424Ter)

Gene: TMPRSS3 (transmembrane serine protease 3; minus strand). Cytogenetic location: 21q22.3.
Variant type: single nucleotide variant.
Coding change: c.1272C>A on transcript NM_001256317.3 (MANE Select); coding-DNA position 1272, C replaced by A.
Protein change: p.Cys424Ter; replaces cysteine 424 with a stop codon.
Molecular consequence: nonsense.
Genome position (GRCh38, 1-based): chr21:42,375,788, G>T on the plus strand (C>A on the coding strand, the complement: TMPRSS3 is on the minus strand). VCF-style: chr21-42375788-G-T. GRCh37 (hg19) VCF-style: chr21-43795897-G-T.
Other names: c.1275C>A, p.Cys425Ter (NM_024022.4); c.894C>A, p.Cys298Ter (NM_032404.3); short protein forms C298*, C424*, C425*.
Identifiers: ClinVar variation 3601933 (VCV003601933.1).